The following is an entry in ClinVar:

ClinVar aggregate classification (germline): Uncertain significance (1 of 4 stars; one submission).

Conditions:
Haddad syndrome (OHD). Also called: Ondine-Hirschsprung disease. Identifiers: Orphanet 99803, MedGen C1859049, MONDO:0020493.

Submission:

Labcorp Genetics (formerly Invitae), Labcorp
Classification: Uncertain significance for Haddad syndrome. Last evaluated: 2023-06-05. Review status: criteria provided, single submitter. Criteria: Invitae Variant Classification Sherloc (09022015). Collection method: clinical testing. Allele origin: germline.
Comment: In summary, the available evidence is currently insufficient to determine the role of this variant in disease. Therefore, it has been classified as a Variant of Uncertain Significance. Experimental studies and prediction algorithms are not available or were not evaluated, and the functional significance of this variant is currently unknown. This variant has not been reported in the literature in individuals affected with PHOX2B-related conditions. This variant is not present in population databases (gnomAD no frequency). This sequence change replaces valine, which is neutral and non-polar, with glutamic acid, which is acidic and polar, at codon 309 of the PHOX2B protein (p.Val309Glu).

NM_003924.4(PHOX2B):c.926T>A (p.Val309Glu)

Gene: PHOX2B (paired like homeobox 2B; minus strand). Cytogenetic location: 4p13.
Variant type: single nucleotide variant.
Coding change: c.926T>A on transcript NM_003924.4 (MANE Select); coding-DNA position 926, T replaced by A.
Protein change: p.Val309Glu; replaces valine 309 with glutamic acid.
Molecular consequence: missense variant.
Genome position (GRCh38, 1-based): chr4:41,745,826, A>T on the plus strand (T>A on the coding strand, the complement: PHOX2B is on the minus strand). VCF-style: chr4-41745826-A-T. GRCh37 (hg19) VCF-style: chr4-41747843-A-T.
Other names: short protein forms V309E.
Identifiers: ClinVar variation 2773004 (VCV002773004.3), dbSNP rs2552096753, ClinGen allele CA356736688.